The following is an entry in ClinVar:

ClinVar aggregate classification (germline): Benign. Review status: reviewed by expert panel (3 of 4 stars). 15 submissions from 14 submitters: Benign (1). 14 of the submissions do not count toward it. Last evaluated 2017-04-18.

Conditions:
RAF1-related disorder. Also called: RAF1-related disorders; RAF1-related condition.
Cardiovascular phenotype. Identifiers: MedGen CN230736.
RASopathy. Also called: rasopathies; Noonan spectrum disorder. Identifiers: Orphanet 536391, MedGen C5555857, MONDO:0021060.
LEOPARD syndrome 2 (LPRD2). Also called: RAF1-Related LEOPARD Syndrome. Identifiers: Orphanet 500, MedGen C1969056, MONDO:0012691, OMIM 611554.
Noonan syndrome 5 (NS5). Also called: RAF1-Related Noonan Syndrome. Identifiers: Orphanet 648, MedGen C1969057, MONDO:0012690, OMIM 611553. Disease mechanism: gain of function.

Allele frequency attached by ClinVar (database versions not stated): gnomAD exomes 0.00062 and 0.00071; ESP Exome Variant Server 0.00069; ExAC 0.00076; 1000 Genomes Project 0.00080; gnomAD 0.00084 and 0.00088; 1000 Genomes Project 30x 0.00094; TOPMed 0.00100.
gnomAD v4.1: 1,031 of 1,614,014 alleles (0.064%); highest among the groups gnomAD compares: Admixed American, 0.072%; 2 homozygotes.

Submissions (23):

ClinGen RASopathy Variant Curation Expert Panel
Classification: Benign for Noonan syndrome and Noonan-related syndrome. Last evaluated: 2017-04-18. Review status: reviewed by expert panel. Criteria: ClinGen RASopathy ACMG Specifications v1. Collection method: curation. Allele origin: germline. Inheritance: Autosomal dominant inheritance.
Comment: The filtering allele frequency of the c.1830A>G (p.Gln610=) variant in the RAF1 gene is 0.11% (88/66740) of European chromosomes by the Exome Aggregation Consortium, which is a high enough frequency to be classified as benign based on thresholds defined by the ClinGen RASopathy Expert Panel (BA1; PMID:29493581)

CeGaT Center for Human Genetics Tuebingen
Classification: Likely benign. Last evaluated: 2026-03-01. Review status: criteria provided, single submitter. Criteria: CeGaT Center For Human Genetics Tuebingen Variant Classification Criteria Version 2. Collection method: clinical testing. Allele origin: germline. Affected: yes. Observed: 9 variant alleles. Not counted in ClinVar's aggregate classification.
Comment: RAF1: BP4, BP7

Labcorp Genetics (formerly Invitae), Labcorp
Classification: Benign for RASopathy. Last evaluated: 2026-02-04. Review status: criteria provided, single submitter. Criteria: Invitae Variant Classification Sherloc (09022015). Collection method: clinical testing. Allele origin: germline. Not counted in ClinVar's aggregate classification.

ARUP Laboratories, Molecular Genetics and Genomics, ARUP Laboratories
Classification: Benign. Last evaluated: 2025-04-17. Review status: criteria provided, single submitter. Criteria: ARUP Molecular Germline Variant Investigation Process 2024. Collection method: clinical testing. Allele origin: germline. Not counted in ClinVar's aggregate classification.

Molecular Diagnostic Laboratory for Inherited Cardiovascular Disease, Montreal Heart Institute
Classification: Benign. Last evaluated: 2025-04-09. Review status: criteria provided, single submitter. Criteria: ACMG Guidelines, 2015. Collection method: clinical testing. Allele origin: germline. Affected: no. Not counted in ClinVar's aggregate classification.

Blueprint Genetics
Classification: Likely benign. Last evaluated: 2024-11-25. Review status: criteria provided, single submitter. Criteria: ACMG Guidelines, 2015. Collection method: clinical testing. Allele origin: germline. Not counted in ClinVar's aggregate classification.

Mayo Clinic Laboratories, Mayo Clinic
Classification: Benign. Last evaluated: 2024-07-31. Review status: criteria provided, single submitter. Criteria: ACMG Guidelines, 2015. Collection method: clinical testing. Allele origin: germline. Observed: 3 variant alleles. Not counted in ClinVar's aggregate classification.

Eurofins Ntd Llc (ga)
Classification: Benign. Last evaluated: 2018-06-19. Review status: criteria provided, single submitter. Criteria: EGL ClinVar v180209 classification definitions. Collection method: clinical testing. Allele origin: germline. Observed: 1 variant allele, 1 heterozygote. Not counted in ClinVar's aggregate classification.

Illumina Laboratory Services, Illumina
Classification: Uncertain significance for Noonan syndrome 5. Last evaluated: 2018-01-13. Review status: criteria provided, single submitter. Criteria: ICSL Variant Classification Criteria 13 December 2019. Collection method: clinical testing. Allele origin: germline. Not counted in ClinVar's aggregate classification.

Illumina Laboratory Services, Illumina
Classification: Benign for LEOPARD syndrome 2. Last evaluated: 2018-01-13. Review status: criteria provided, single submitter. Criteria: ICSL Variant Classification Criteria 13 December 2019. Collection method: clinical testing. Allele origin: germline. Not counted in ClinVar's aggregate classification.
Comment: This variant was observed in the ICSL laboratory as part of a predisposition screen in an ostensibly healthy population. It had not been previously curated by ICSL or reported in the Human Gene Mutation Database (HGMD: prior to June 1st, 2018), and was therefore a candidate for classification through an automated scoring system. Utilizing variant allele frequency, disease prevalence and penetrance estimates, and inheritance mode, an automated score was calculated to assess if this variant is too frequent to cause the disease. Based on the score and internal cut-off values, a variant classified as benign is not then subjected to further curation. The score for this variant resulted in a classification of benign for this disease.

Ambry Genetics
Classification: Likely benign for Cardiovascular phenotype. Last evaluated: 2015-05-05. Review status: criteria provided, single submitter. Criteria: Ambry Variant Classification Scheme 2023. Collection method: clinical testing. Allele origin: germline. Not counted in ClinVar's aggregate classification.

Laboratory for Molecular Medicine, Mass General Brigham Personalized Medicine
Classification: Likely benign. Last evaluated: 2015-04-09. Review status: criteria provided, single submitter. Criteria: LMM Criteria. Collection method: clinical testing. Allele origin: germline. Observed: 7 variant alleles. Not counted in ClinVar's aggregate classification.
Comment: p.Gln610Gln in exon 17 of RAF1: This variant is not expected to have clinical si gnificance because it does not alter an amino acid residue and is not located wi thin the splice consensus sequence. It has been identified in 0.1% (88/66740) of European chromosomes by the Exome Aggregation Consortium (ExAC; dbSNP rs141791080).

GeneDx
Classification: Benign. Last evaluated: 2015-03-03. Review status: criteria provided, single submitter. Criteria: GeneDx Variant Classification Process June 2021. Collection method: clinical testing. Allele origin: germline. Affected: yes. Not counted in ClinVar's aggregate classification.

PreventionGenetics, part of Exact Sciences
Classification: Benign for RAF1-related condition. Last evaluated: 2021-08-06. Review status: no assertion criteria provided. Collection method: clinical testing. Allele origin: germline. Not counted in ClinVar's aggregate classification.
Comment: This variant is classified as benign based on ACMG/AMP sequence variant interpretation guidelines (Richards et al. 2015 PMID: 25741868, with internal and published modifications).

Baylor Genetics
Classification: Benign for Rasopathy. Review status: no assertion criteria provided. Collection method: clinical testing. Allele origin: unknown. Affected: yes. Not counted in ClinVar's aggregate classification.
Comment: Variant classified using ACMG guidelines

Dr. Peter K. Rogan Lab, Western University
No classification provided (evidence only). Condition: Malignant tumor of urinary bladder. Review status: no classification provided. Collection method: in vitro. Allele origin: not applicable. Functional consequence: retained intron. Not counted in ClinVar's aggregate classification.

Dr. Peter K. Rogan Lab, Western University
No classification provided (evidence only). Condition: Lung cancer. Review status: no classification provided. Collection method: in vitro. Allele origin: not applicable. Functional consequence: retained intron. Not counted in ClinVar's aggregate classification.

Dr. Peter K. Rogan Lab, Western University
No classification provided (evidence only). Condition: Familial cancer of breast. Review status: no classification provided. Collection method: in vitro. Allele origin: not applicable. Functional consequence: retained intron. Not counted in ClinVar's aggregate classification.

Dr. Peter K. Rogan Lab, Western University
No classification provided (evidence only). Condition: Colorectal cancer. Review status: no classification provided. Collection method: in vitro. Allele origin: not applicable. Functional consequence: retained intron. Not counted in ClinVar's aggregate classification.

Dr. Peter K. Rogan Lab, Western University
No classification provided (evidence only). Condition: Thyroid cancer, nonmedullary, 1. Review status: no classification provided. Collection method: in vitro. Allele origin: not applicable. Functional consequence: retained intron. Not counted in ClinVar's aggregate classification.

Dr. Peter K. Rogan Lab, Western University
No classification provided (evidence only). Condition: Thyroid cancer, nonmedullary, 1. Review status: no classification provided. Collection method: in vitro. Allele origin: not applicable. Functional consequence: retained intron. Not counted in ClinVar's aggregate classification.

Dr. Peter K. Rogan Lab, Western University
No classification provided (evidence only). Condition: Cervical cancer. Review status: no classification provided. Collection method: in vitro. Allele origin: not applicable. Functional consequence: retained intron. Not counted in ClinVar's aggregate classification.

Dr. Peter K. Rogan Lab, Western University
No classification provided (evidence only). Condition: Hepatocellular carcinoma. Review status: no classification provided. Collection method: in vitro. Allele origin: not applicable. Functional consequence: retained intron. Not counted in ClinVar's aggregate classification.

NM_002880.4(RAF1):c.1830A>G (p.Gln610=)

Gene: RAF1 (Raf-1 proto-oncogene, serine/threonine kinase; minus strand). Cytogenetic location: 3p25.2.
Variant type: single nucleotide variant.
Coding change: c.1830A>G on transcript NM_002880.4 (MANE Select); coding-DNA position 1830, A replaced by G.
Protein change: p.Gln610=; no amino-acid change (glutamine 610 retained).
Molecular consequence: synonymous variant. On other transcripts: non-coding transcript variant (3).
Genome position (GRCh38, 1-based): chr3:12,584,631, T>C on the plus strand (A>G on the coding strand, the complement: RAF1 is on the minus strand). VCF-style: chr3-12584631-T-C. GRCh37 (hg19) VCF-style: chr3-12626130-T-C.
Other names: p.Q610Q; NM_002880.3(RAF1):c.1830A>G; c.1890A>G, p.Gln630= (NM_001354689.3); c.1830A>G, p.Gln610= (NM_001354690.3); c.1587A>G, p.Gln529= (NM_001354691.3, NM_001354692.3); c.1731A>G, p.Gln577= (NM_001354693.3); c.1647A>G, p.Gln549= (NM_001354694.3); c.1488A>G, p.Gln496= (NM_001354695.3).
Identifiers: ClinVar variation 40627 (VCV000040627.67), dbSNP rs141791080, ClinGen allele CA134712.